The following is an entry in ClinVar:

NM_130839.5(UBE3A):c.1421T>C (p.Phe474Ser)

Genes: SNHG14 (small nucleolar RNA host gene 14; plus strand), UBE3A (ubiquitin protein ligase E3A; minus strand). Cytogenetic location: 15q11.2.
Variant type: single nucleotide variant.
Coding change: c.1421T>C on transcript NM_130839.5 (MANE Select); coding-DNA position 1421, T replaced by C.
Protein change: p.Phe474Ser; replaces phenylalanine 474 with serine.
Molecular consequence: missense variant. On other transcripts: non-coding transcript variant (1), intron variant (2).
Genome position (GRCh38, 1-based): chr15:25,370,753, A>G on the plus strand (T>C on the coding strand, the complement: UBE3A is on the minus strand). VCF-style: chr15-25370753-A-G. GRCh37 (hg19) VCF-style: chr15-25615900-A-G.
Other names: c.1430T>C, p.Phe477Ser (NM_000462.5); c.1421T>C, p.Phe474Ser (NM_001354505.1, NM_001354538.2, NM_001354545.2); c.1361T>C, p.Phe454Ser (NM_001354506.2, NM_001354507.2, NM_001354508.2 and 17 more transcripts); c.1244T>C, p.Phe415Ser (NM_001354546.2); c.301+4712T>C (NM_001354551.2); c.361+4712T>C (NM_001354550.2); short protein forms F415S, F454S, F474S, F477S.
Identifiers: ClinVar variation 2500514 (VCV002500514.2), dbSNP rs2552191500, ClinGen allele CA391353633.

ClinVar aggregate classification (germline): Uncertain significance (1 of 4 stars; one submission).

Submission:

GeneDx
Classification: Uncertain significance. Last evaluated: 2023-05-11. Review status: criteria provided, single submitter. Criteria: GeneDx Variant Classification Process June 2021. Collection method: clinical testing. Allele origin: germline.
Comment: Not observed at significant frequency in large population cohorts (gnomAD); In silico analysis supports that this missense variant has a deleterious effect on protein structure/function; Has not been previously published as pathogenic or benign to our knowledge